The following is an entry in ClinVar:

ClinVar aggregate classification (germline): Conflicting classifications of pathogenicity. Review status: criteria provided, conflicting classifications (1 of 4 stars). 2 submissions from 2 submitters: Uncertain significance (1); Likely benign (1). Last evaluated 2025-12-17.

Allele frequency attached by ClinVar (database versions not stated): gnomAD exomes below 0.00001; ExAC 0.00001.

Submissions (2):

Labcorp Genetics (formerly Invitae), Labcorp
Classification: Likely benign. Last evaluated: 2025-12-17. Review status: criteria provided, single submitter. Criteria: Invitae Variant Classification Sherloc (09022015). Collection method: clinical testing. Allele origin: germline.

GeneDx
Classification: Uncertain significance. Last evaluated: 2024-12-19. Review status: criteria provided, single submitter. Criteria: GeneDx Variant Classification Process June 2021. Collection method: clinical testing. Allele origin: germline. Affected: yes.
Comment: Identified in a case out of a cohort of individuals with severe adolescent idiopathic scoliosis, but specific clinical or segregation information was not provided. Please note this variant is referred to as Gln482Arg using alternate nomenclature (PMID: 26566670); Not located in the triple helical region, where the majority of pathogenic missense variants occur (HGMD; PMID: 25240749); In silico analysis supports that this missense variant has a deleterious effect on protein structure/function; Not observed at significant frequency in large population cohorts (gnomAD); This variant is associated with the following publications: (PMID: 25240749, 26566670)

NM_001854.4(COL11A1):c.1562A>G (p.Gln521Arg)

Gene: COL11A1 (collagen type XI alpha 1 chain; minus strand). Cytogenetic location: 1p21.1.
Variant type: single nucleotide variant.
Coding change: c.1562A>G on transcript NM_001854.4 (MANE Select); coding-DNA position 1562, A replaced by G.
Protein change: p.Gln521Arg; replaces glutamine 521 with arginine.
Molecular consequence: missense variant. On other transcripts: non-coding transcript variant (1).
Genome position (GRCh38, 1-based): chr1:103,014,521, T>C on the plus strand (A>G on the coding strand, the complement: COL11A1 is on the minus strand). VCF-style: chr1-103014521-T-C. GRCh37 (hg19) VCF-style: chr1-103480077-T-C.
Other names: c.1445A>G, p.Gln482Arg (NM_001190709.2); c.1598A>G, p.Gln533Arg (NM_080629.3); c.1214A>G, p.Gln405Arg (NM_080630.4); short protein forms Q405R, Q482R, Q521R, Q533R.
Identifiers: ClinVar variation 710303 (VCV000710303.7), dbSNP rs770438816, ClinGen allele CA974944.